The following is an entry in ClinVar:

NM_139343.3(BIN1):c.913G>C (p.Ala305Pro)

Gene: BIN1 (bridging integrator 1; minus strand). Cytogenetic location: 2q14.3.
Variant type: single nucleotide variant.
Coding change: c.913G>C on transcript NM_139343.3 (MANE Select); coding-DNA position 913, G replaced by C.
Protein change: p.Ala305Pro; replaces alanine 305 with proline.
Molecular consequence: missense variant.
Genome position (GRCh38, 1-based): chr2:127,059,100, C>G on the plus strand (G>C on the coding strand, the complement: BIN1 is on the minus strand). VCF-style: chr2-127059100-C-G. GRCh37 (hg19) VCF-style: chr2-127816676-C-G.
Other names: c.865G>C, p.Ala289Pro (NM_001320632.2, NM_004305.4, NM_139346.3); c.913G>C, p.Ala305Pro (NM_001320633.2, NM_001320640.2, NM_139344.3 and 1 more transcripts); c.748G>C, p.Ala250Pro (NM_001320634.1); c.820G>C, p.Ala274Pro (NM_001320641.2, NM_139347.3, NM_139348.3 and 3 more transcripts); c.832G>C, p.Ala278Pro (NM_001320642.1); short protein forms A278P, A289P, A274P, A305P, A250P.
Identifiers: ClinVar variation 3718134 (VCV003718134.2).

ClinVar aggregate classification (germline): Uncertain significance (1 of 4 stars; one submission).

Conditions:
Myopathy, centronuclear, 2 (CNM2). Also called: MYOTUBULAR MYOPATHY, AUTOSOMAL RECESSIVE. Identifiers: Orphanet 169186, MedGen CN031787, MONDO:0009709, OMIM 255200.

Submission:

Labcorp Genetics (formerly Invitae), Labcorp
Classification: Uncertain significance for Myopathy, centronuclear, 2. Last evaluated: 2025-01-20. Review status: criteria provided, single submitter. Criteria: Invitae Variant Classification Sherloc (09022015). Collection method: clinical testing. Allele origin: germline.
Comment: This sequence change replaces alanine, which is neutral and non-polar, with proline, which is neutral and non-polar, at codon 305 of the BIN1 protein (p.Ala305Pro). This variant is not present in population databases (gnomAD no frequency). This variant has not been reported in the literature in individuals affected with BIN1-related conditions. Invitae Evidence Modeling of protein sequence and biophysical properties (such as structural, functional, and spatial information, amino acid conservation, physicochemical variation, residue mobility, and thermodynamic stability) indicates that this missense variant is not expected to disrupt BIN1 protein function with a negative predictive value of 80%. In summary, the available evidence is currently insufficient to determine the role of this variant in disease. Therefore, it has been classified as a Variant of Uncertain Significance.